The following is an entry in ClinVar:

NM_003978.5(PSTPIP1):c.228C>T (p.Ser76=)

Gene: PSTPIP1 (proline-serine-threonine phosphatase interacting protein 1; plus strand). Cytogenetic location: 15q24.3.
Variant type: single nucleotide variant.
Coding change: c.228C>T on transcript NM_003978.5 (MANE Select); coding-DNA position 228, C replaced by T.
Protein change: p.Ser76=; no amino-acid change (serine 76 retained).
Molecular consequence: synonymous variant. On other transcripts: non-coding transcript variant (1).
Genome position (GRCh38, 1-based): chr15:77,025,299, C>T. VCF-style: chr15-77025299-C-T. GRCh37 (hg19) VCF-style: chr15-77317640-C-T.
Other names: c.228C>T, p.Ser76= (NM_001321135.2, NM_001411086.1); c.201C>T, p.Ser67= (NM_001321136.2); c.423C>T, p.Ser141= (NM_001321137.1).
Identifiers: ClinVar variation 2157042 (VCV002157042.5), dbSNP rs2076253869, ClinGen allele CA491335488.

ClinVar aggregate classification (germline): Conflicting classifications of pathogenicity. Review status: criteria provided, conflicting classifications (1 of 4 stars). 2 submissions from 2 submitters: Uncertain significance (1); Likely benign (1). Last evaluated 2023-06-22.

Conditions:
Pyogenic arthritis-pyoderma gangrenosum-acne syndrome (PAPA). Also called: FAMILIAL RECURRENT ARTHRITIS; PAPA SYNDROME. Identifiers: Orphanet 69126, MedGen C1858361, MONDO:0011462, OMIM 604416.

Allele frequency attached by ClinVar (database versions not stated): gnomAD exomes below 0.00001; TOPMed below 0.00001.
gnomAD v4.1: 1 of 1,611,256 alleles (0.000062%); highest among the groups gnomAD compares: Non-Finnish European, 0.000085%; no homozygotes.

Submissions (2):

Labcorp Genetics (formerly Invitae), Labcorp
Classification: Likely benign for Pyogenic arthritis-pyoderma gangrenosum-acne syndrome. Last evaluated: 2023-06-22. Review status: criteria provided, single submitter. Criteria: Invitae Variant Classification Sherloc (09022015). Collection method: clinical testing. Allele origin: germline.

GeneDx
Classification: Uncertain significance. Last evaluated: 2022-09-02. Review status: criteria provided, single submitter. Criteria: GeneDx Variant Classification Process June 2021. Collection method: clinical testing. Allele origin: germline. Affected: yes.
Comment: Not observed at significant frequency in large population cohorts (gnomAD); In silico analysis supports that this variant does not alter splicing; Has not been previously published as pathogenic or benign to our knowledge